The following is an entry in ClinVar:

ClinVar aggregate classification (germline): Uncertain significance (1 of 4 stars; one submission).

Conditions:
Hyperekplexia 3 (HKPX3). Also called: HYPEREKPLEXIA 3, AUTOSOMAL RECESSIVE; HYPEREKPLEXIA 3, AUTOSOMAL DOMINANT. Identifiers: Orphanet 3197, MedGen C3553288, MONDO:0013827, OMIM 614618.

Allele frequency attached by ClinVar (database versions not stated): gnomAD exomes 0.00001.
gnomAD v4.1: 18 of 1,590,982 alleles (0.0011%); highest among the groups gnomAD compares: Non-Finnish European, 0.0014%; no homozygotes.

Submission:

Labcorp Genetics (formerly Invitae), Labcorp
Classification: Uncertain significance for Hyperekplexia 3. Last evaluated: 2021-09-01. Review status: criteria provided, single submitter. Criteria: Invitae Variant Classification Sherloc (09022015). Collection method: clinical testing. Allele origin: germline.
Comment: This sequence change replaces alanine with threonine at codon 59 of the SLC6A5 protein (p.Ala59Thr). The alanine residue is moderately conserved and there is a small physicochemical difference between alanine and threonine. This variant is not present in population databases (ExAC no frequency). This variant has not been reported in the literature in individuals affected with SLC6A5-related conditions. Advanced modeling of protein sequence and biophysical properties (such as structural, functional, and spatial information, amino acid conservation, physicochemical variation, residue mobility, and thermodynamic stability) performed at Invitae indicates that this missense variant is not expected to disrupt SLC6A5 protein function. In summary, the available evidence is currently insufficient to determine the role of this variant in disease. Therefore, it has been classified as a Variant of Uncertain Significance.

NM_004211.5(SLC6A5):c.175G>A (p.Ala59Thr)

Gene: SLC6A5 (solute carrier family 6 member 5; plus strand). Cytogenetic location: 11p15.1.
Variant type: single nucleotide variant.
Coding change: c.175G>A on transcript NM_004211.5 (MANE Select); coding-DNA position 175, G replaced by A.
Protein change: p.Ala59Thr; replaces alanine 59 with threonine.
Molecular consequence: missense variant. On other transcripts: 5 prime UTR variant (1).
Genome position (GRCh38, 1-based): chr11:20,601,300, G>A. VCF-style: chr11-20601300-G-A. GRCh37 (hg19) VCF-style: chr11-20622846-G-A.
Other names: c.-389G>A (NM_001318369.2); short protein forms A59T.
Identifiers: ClinVar variation 1345081 (VCV001345081.5), dbSNP rs1445282447, ClinGen allele CA379911178.